The following is an entry in ClinVar:

NM_198253.3(TERT):c.700T>A (p.Leu234Met)

Gene: TERT (telomerase reverse transcriptase; minus strand). Cytogenetic location: 5p15.33.
Variant type: single nucleotide variant.
Coding change: c.700T>A on transcript NM_198253.3 (MANE Select); coding-DNA position 700, T replaced by A.
Protein change: p.Leu234Met; replaces leucine 234 with methionine.
Molecular consequence: missense variant. On other transcripts: non-coding transcript variant (2).
Genome position (GRCh38, 1-based): chr5:1,294,186, A>T on the plus strand (T>A on the coding strand, the complement: TERT is on the minus strand). VCF-style: chr5-1294186-A-T. GRCh37 (hg19) VCF-style: chr5-1294301-A-T.
Other names: c.700T>A, p.Leu234Met (NM_001193376.3); short protein forms L234M.
Identifiers: ClinVar variation 3455210 (VCV003455210.1).

ClinVar aggregate classification (germline): Uncertain significance (1 of 4 stars; one submission).

Conditions:
Dyskeratosis congenita. Identifiers: Orphanet 1775, MedGen C0265965, MONDO:0015780.

Submission:

Ambry Genetics
Classification: Uncertain significance for Dyskeratosis congenita. Last evaluated: 2024-10-29. Review status: criteria provided, single submitter. Criteria: Ambry Variant Classification Scheme 2023. Collection method: clinical testing. Allele origin: germline.
Comment: The p.L234M variant (also known as c.700T>A), located in coding exon 2 of the TERT gene, results from a T to A substitution at nucleotide position 700. The leucine at codon 234 is replaced by methionine, an amino acid with highly similar properties. This amino acid position is conserved. In addition, this alteration is predicted to be tolerated by in silico analysis. Based on the available evidence, the clinical significance of this variant remains unclear.